The following is an entry in ClinVar:

ClinVar aggregate classification (germline): Benign/Likely benign. Review status: criteria provided, multiple submitters, no conflicts (2 of 4 stars). 3 submissions from 3 submitters: Benign (1); Likely benign (2). Last evaluated 2025-08-07.

Conditions:
Hereditary cancer-predisposing syndrome. Also called: Hereditary Cancer Syndrome; Hereditary neoplastic syndrome; Neoplastic Syndromes, Hereditary; Tumor predisposition. Identifiers: Orphanet 140162, MedGen C0027672, MeSH D009386, MONDO:0015356.
Familial cancer of breast. Also called: BREAST CANCER, FAMILIAL; hereditary breast carcinoma; Hereditary breast cancer. Identifiers: Orphanet 227535, MedGen C0346153, MONDO:0016419, OMIM 114480. Disease mechanism: loss of function.

Allele frequency attached by ClinVar (database versions not stated): gnomAD exomes below 0.00001; TOPMed below 0.00001.
gnomAD v4.1: 1 of 1,614,110 alleles (0.000062%); highest among the groups gnomAD compares: Admixed American, 0.0017%; no homozygotes.

Submissions (3):

Labcorp Genetics (formerly Invitae), Labcorp
Classification: Likely benign for Familial cancer of breast. Last evaluated: 2025-08-07. Review status: criteria provided, single submitter. Criteria: Invitae Variant Classification Sherloc (09022015). Collection method: clinical testing. Allele origin: germline.

Myriad Genetics, Inc.
Classification: Benign for Familial cancer of breast. Last evaluated: 2025-01-13. Review status: criteria provided, single submitter. Criteria: Myriad Autosomal Dominant, Autosomal Recessive and X-Linked Classification Criteria (2023). Collection method: clinical testing. Allele origin: unknown.
Comment: This variant is considered benign. This variant is a silent/synonymous amino acid change and it is not expected to impact splicing.

Ambry Genetics
Classification: Likely benign for Hereditary cancer-predisposing syndrome. Last evaluated: 2021-11-21. Review status: criteria provided, single submitter. Criteria: Ambry Variant Classification Scheme 2023. Collection method: clinical testing. Allele origin: germline.

NM_024675.4(PALB2):c.1317G>T (p.Gly439=)

Gene: PALB2 (partner and localizer of BRCA2; minus strand). Cytogenetic location: 16p12.2.
Variant type: single nucleotide variant.
Coding change: c.1317G>T on transcript NM_024675.4 (MANE Select); coding-DNA position 1317, G replaced by T.
Protein change: p.Gly439=; no amino-acid change (glycine 439 retained).
Molecular consequence: synonymous variant. On other transcripts: intron variant (3).
Genome position (GRCh38, 1-based): chr16:23,635,229, C>A on the plus strand (G>T on the coding strand, the complement: PALB2 is on the minus strand). VCF-style: chr16-23635229-C-A. GRCh37 (hg19) VCF-style: chr16-23646550-C-A.
Other names: c.-104-4760G>T (NM_001407312.1, NM_001407313.1); c.1257G>T, p.Gly419= (NM_001407296.1); c.1317G>T, p.Gly439= (NM_001407297.1, NM_001407298.1, NM_001407299.1 and 3 more transcripts); c.432G>T, p.Gly144= (NM_001407304.1, NM_001407305.1, NM_001407306.1 and 5 more transcripts); c.48+5881G>T (NM_001407314.1).
Identifiers: ClinVar variation 1769819 (VCV001769819.8), dbSNP rs515726066, ClinGen allele CA494461539.
Genomic context (GRCh38, chr16:23,635,229, plus strand): 5'-GTCAGTTTCCTCATTGGAAAGGTTTAAATTTTTACTTGCATCCTTATTTTTATTTTTAAA[C>A]CCTTTTTTCTTGACATCCAAATGACTCTGAATGACAGCCTCCACGGCTACTTTCCTCTGG-3'
Protein context (NP_078951.2, residues 429-449): IQSHLDVKKK[Gly439=]FKNKNKDASK